The following is an entry in ClinVar:

NM_025144.4(ALPK1):c.3715A>G (p.Met1239Val)

Gene: ALPK1 (alpha kinase 1; plus strand). Cytogenetic location: 4q25.
Variant type: single nucleotide variant.
Coding change: c.3715A>G on transcript NM_025144.4 (MANE Select); coding-DNA position 3715, A replaced by G.
Protein change: p.Met1239Val; replaces methionine 1239 with valine.
Molecular consequence: missense variant.
Genome position (GRCh38, 1-based): chr4:112,441,093, A>G. VCF-style: chr4-112441093-A-G. GRCh37 (hg19) VCF-style: chr4-113362249-A-G.
Other names: c.3715A>G, p.Met1239Val (NM_001102406.2); c.3481A>G, p.Met1161Val (NM_001253884.2); short protein forms M1239V, M1161V.
Identifiers: ClinVar variation 4692217 (VCV004692217.1).

ClinVar aggregate classification (germline): Uncertain significance (1 of 4 stars; one submission).

Submission:

Labcorp Genetics (formerly Invitae), Labcorp
Classification: Uncertain significance. Last evaluated: 2025-12-15. Review status: criteria provided, single submitter. Criteria: Invitae Variant Classification Sherloc (09022015). Collection method: clinical testing. Allele origin: germline.
Comment: This sequence change replaces methionine, which is neutral and non-polar, with valine, which is neutral and non-polar, at codon 1239 of the ALPK1 protein (p.Met1239Val). This variant is present in population databases (rs573275852, gnomAD 0.003%). This variant has not been reported in the literature in individuals affected with ALPK1-related conditions. An algorithm developed to predict the effect of missense changes on protein structure and function outputs the following: PolyPhen-2: "Benign". The valine amino acid residue is found in multiple mammalian species, which suggests that this missense change does not adversely affect protein function. In summary, the available evidence is currently insufficient to determine the role of this variant in disease. Therefore, it has been classified as a Variant of Uncertain Significance.